The following is an entry in ClinVar:

ClinVar aggregate classification (germline): Uncertain significance (1 of 4 stars; one submission).

Allele frequency attached by ClinVar (database versions not stated): gnomAD 0.00001; gnomAD exomes 0.00001 and 0.00002; TOPMed 0.00001; ExAC 0.00002.

Submission:

Labcorp Genetics (formerly Invitae), Labcorp
Classification: Uncertain significance. Last evaluated: 2022-08-23. Review status: criteria provided, single submitter. Criteria: Invitae Variant Classification Sherloc (09022015). Collection method: clinical testing. Allele origin: germline.
Comment: This sequence change replaces aspartic acid, which is acidic and polar, with glutamic acid, which is acidic and polar, at codon 467 of the CDHR1 protein (p.Asp467Glu). This variant is present in population databases (rs758392057, gnomAD 0.02%). This variant has not been reported in the literature in individuals affected with CDHR1-related conditions. ClinVar contains an entry for this variant (Variation ID: 1411118). Advanced modeling of protein sequence and biophysical properties (such as structural, functional, and spatial information, amino acid conservation, physicochemical variation, residue mobility, and thermodynamic stability) performed at Invitae indicates that this missense variant is not expected to disrupt CDHR1 protein function. In summary, the available evidence is currently insufficient to determine the role of this variant in disease. Therefore, it has been classified as a Variant of Uncertain Significance.

NM_033100.4(CDHR1):c.1401C>A (p.Asp467Glu)

Gene: CDHR1 (cadherin related family member 1; plus strand). Cytogenetic location: 10q23.1.
Variant type: single nucleotide variant.
Coding change: c.1401C>A on transcript NM_033100.4 (MANE Select); coding-DNA position 1401, C replaced by A.
Protein change: p.Asp467Glu; replaces aspartic acid 467 with glutamic acid.
Molecular consequence: missense variant.
Genome position (GRCh38, 1-based): chr10:84,211,081, C>A. VCF-style: chr10-84211081-C-A. GRCh37 (hg19) VCF-style: chr10-85970837-C-A.
Other names: c.1401C>A, p.Asp467Glu (NM_001171971.3); short protein forms D467E.
Identifiers: ClinVar variation 1411118 (VCV001411118.5), dbSNP rs758392057, ClinGen allele CA5579930.